The following is an entry in ClinVar:

NM_005138.3(SCO2):c.738_750del (p.Ala247fs)

Genes: NCAPH2 (non-SMC condensin II complex subunit H2; plus strand), SCO2 (synthesis of cytochrome C oxidase 2; minus strand). Cytogenetic location: 22q13.33.
Variant type: Deletion.
Coding change: c.738_750del on transcript NM_005138.3 (MANE Select); coding-DNA positions 738 to 750, 13 bases deleted (GGCTGAGCAGATC).
Protein change: p.Ala247fs; shifts the reading frame from alanine 247.
Molecular consequence: frameshift variant. On other transcripts: 3 prime UTR variant (2).
Genome position (GRCh38, 1-based): chr22:50,523,662-50,523,674, GATCTGCTCAGCC deleted on the plus strand (GGCTGAGCAGATC on the coding strand, the reverse complement: SCO2 is on the minus strand); deleting any 13 consecutive bases within chr22:50,523,662-50,523,683 gives the same sequence; the c. name uses the placement nearest the transcript's 3' end. VCF-style (leftmost placement, unchanged base first): chr22-50523661-AGATCTGCTCAGCC-A. GRCh37 (hg19) VCF-style: chr22-50962090-AGATCTGCTCAGCC-A.
Other names: c.*296_*308del (NM_001185011.2, NM_152299.4); c.738_750del, p.Ala247fs (NM_001169109.2, NM_001169110.1, NM_001169111.2); short protein forms A247fs.
Identifiers: ClinVar variation 5004026 (VCV005004026.1).

ClinVar aggregate classification (germline): Uncertain significance (1 of 4 stars; one submission).

Conditions:
Cardioencephalomyopathy, fatal infantile, due to cytochrome c oxidase deficiency 1 (MC4DN2). Also called: MITOCHONDRIAL COMPLEX IV DEFICIENCY, NUCLEAR TYPE 2; CYTOCHROME c OXIDASE DEFICIENCY, FATAL INFANTILE, WITH CARDIOENCEPHALOMYOPATHY. Identifiers: Orphanet 1561, MedGen C5399977, MONDO:0011451, OMIM 604377.

Submission:

Myriad Genetics, Inc.
Classification: Uncertain significance for Cardioencephalomyopathy, fatal infantile, due to cytochrome c oxidase deficiency 1. Last evaluated: 2026-05-01. Review status: criteria provided, single submitter. Criteria: Myriad Autosomal Dominant, Autosomal Recessive and X-Linked Classification Criteria (2023). Collection method: clinical testing. Allele origin: unknown.
Comment: NM_005138.2(SCO2):c.738_750del13(A247Qfs*26) is a readthrough frameshift variant classified as a variant of uncertain significance in the context of mitochondrial complex IV deficiency, SCO2-related. A247Qfs*26 has not been observed in cases with relevant disease. Relevant functional assessments of this variant are not available in the literature. A247Qfs*26 has not been observed in referenced population frequency databases. In summary, there is insufficient evidence to classify NM_005138.2(SCO2):c.738_750del13(A247Qfs*26) as pathogenic or benign. Please note: this variant was assessed in the context of healthy population screening.